The following is an entry in ClinVar:

NM_002458.3(MUC5B):c.5708C>T (p.Thr1903Met)

Genes: MUC5B (mucin 5B, oligomeric mucus/gel-forming; plus strand), MUC5B-AS1 (MUC5B antisense RNA 1; minus strand). Cytogenetic location: 11p15.5.
Variant type: single nucleotide variant.
Coding change: c.5708C>T on transcript NM_002458.3 (MANE Select); coding-DNA position 5708, C replaced by T.
Protein change: p.Thr1903Met; replaces threonine 1903 with methionine.
Molecular consequence: missense variant. On other transcripts: non-coding transcript variant (1).
Genome position (GRCh38, 1-based): chr11:1,242,588, C>T. VCF-style: chr11-1242588-C-T. GRCh37 (hg19) VCF-style: chr11-1263818-C-T.
Other names: short protein forms T1903M.
Identifiers: ClinVar variation 2641208 (VCV002641208.24), dbSNP rs183397959, ClinGen allele CA5805766.
Genomic context (GRCh38, chr11:1,242,588, plus strand): 5'-GCCACTGCCCCAGTACCCCAGCCACCAGCTCCACGGCCACGCCCTCCTCAACTCCGGGGA[C>T]GACCTGGATCCTCACAAAGCCGACCACAACAGCCACTACGACTGCGTCCACTGGATCCAC-3'
Protein context (NP_002449.2, residues 1893-1913): STATPSSTPG[Thr1903Met]TWILTKPTTT

ClinVar aggregate classification (germline): Benign (1 of 4 stars; one submission).

Allele frequency attached by ClinVar (database versions not stated): ExAC 0.00032; 1000 Genomes Project 0.00060; ESP Exome Variant Server 0.00062; 1000 Genomes Project 30x 0.00078.
gnomAD v4.1: 366 of 1,613,814 alleles (0.023%); highest among the groups gnomAD compares: African/African-American, 0.18%; 2 homozygotes.

Submission:

CeGaT Center for Human Genetics Tuebingen
Classification: Benign. Last evaluated: 2026-04-01. Review status: criteria provided, single submitter. Criteria: CeGaT Center For Human Genetics Tuebingen Variant Classification Criteria Version 2. Collection method: clinical testing. Allele origin: germline. Affected: yes. Observed: 2 variant alleles.
Comment: MUC5B: BP4, BS1, BS2